The following is an entry in ClinVar:

NM_003922.4(HERC1):c.14093del (p.Gln4698fs)

Gene: HERC1 (HECT and RLD domain containing E3 ubiquitin protein ligase family member 1; minus strand). Cytogenetic location: 15q22.31.
Variant type: Deletion.
Coding change: c.14093del on transcript NM_003922.4 (MANE Select); coding-DNA position 14093, one base deleted (A; older notation c.14093delA).
Protein change: p.Gln4698fs; shifts the reading frame from glutamine 4698.
Molecular consequence: frameshift variant.
Genome position (GRCh38, 1-based): chr15:63,615,769, T deleted on the plus strand (A on the coding strand, the reverse complement: HERC1 is on the minus strand). VCF-style (leftmost placement, unchanged base first): chr15-63615768-CT-C. GRCh37 (hg19) VCF-style: chr15-63907967-CT-C.
Other names: short protein forms Q4698fs.
Identifiers: ClinVar variation 817684 (VCV000817684.1), dbSNP rs1595819527, ClinGen allele CA915946034.

ClinVar aggregate classification (germline): Likely pathogenic (1 of 4 stars; one submission).

Submission:

GeneDx
Classification: Likely pathogenic. Last evaluated: 2018-06-21. Review status: criteria provided, single submitter. Criteria: GeneDx Variant Classification (06012015). Collection method: clinical testing. Allele origin: germline. Affected: yes.
Comment: The c.14093delA variant in the HERC1 gene has not been reported previously as a pathogenic variant nor as a benign variant, to our knowledge. The c.14093delA variant causes a frameshift starting with codon Glutamine 4698, changes this amino acid to a Arginine residue, and creates a premature Stop codon at position 41 of the new reading frame, denoted p.Gln4698ArgfsX41. This variant is predicted to cause loss of normal protein function either through protein truncation or nonsense-mediated mRNA decay. The c.14093delA variant is not observed in large population cohorts (Lek et al., 2016). We interpret c.14093delA as a likely pathogenic variant.